The following is an entry in ClinVar:

NM_024312.5(GNPTAB):c.2916-1_2916insATAT

Gene: GNPTAB (N-acetylglucosamine-1-phosphate transferase subunits alpha and beta; minus strand). Cytogenetic location: 12q23.2.
Variant type: Insertion.
Coding change: c.2916-1_2916insATAT on transcript NM_024312.5 (MANE Select); the canonical splice acceptor site of the intron before coding-DNA position 2916 through coding-DNA position 2916, ATAT inserted.
Molecular consequence: splice acceptor variant.
Genome position: GRCh38 VCF-style: chr12-101761346-C-CATAT. GRCh37 (hg19) VCF-style: chr12-102155124-C-CATAT.
Identifiers: ClinVar variation 4816147 (VCV004816147.1).

ClinVar aggregate classification (germline): Likely pathogenic (1 of 4 stars; one submission).

Conditions:
Mucolipidosis type II. Also called: ML II ALPHA/BETA; Mucolipidosis 2; ML 2; Inclusion cell disease; Leroy Disease; N-acetylglucosamine 1phosphotransferase deficiency. Identifiers: Orphanet 576, MedGen C2673377, MONDO:0009650, OMIM 252500.

Submission:

Natera, Inc.
Classification: Likely pathogenic for Mucolipidosis type II. Last evaluated: 2025-04-28. Review status: criteria provided, single submitter. Criteria: Natera Variant Classification Schema (03/2026). Collection method: clinical testing. Allele origin: germline.
Comment: The c.2916-1_2916insATAT variant in GNPTAB is a canonical splice acceptor site variant predicted to affect pre-mRNA splicing, which may result in an abnormal transcript and altered protein product. This variant is expected to result in nonsense mediated decay, truncation, or a dysfunctional protein product. This variant is rare in the general population with a frequency below the threshold expected for the associated phenotype(s). Given the available evidence, this variant is classified as Likely Pathogenic.